The following is an entry in ClinVar:

NM_005883.3(APC2):c.2480A>G (p.Lys827Arg)

Gene: APC2 (APC regulator of Wnt signaling pathway 2; plus strand). Cytogenetic location: 19p13.3.
Variant type: single nucleotide variant.
Coding change: c.2480A>G on transcript NM_005883.3 (MANE Select); coding-DNA position 2480, A replaced by G.
Protein change: p.Lys827Arg; replaces lysine 827 with arginine.
Molecular consequence: missense variant.
Genome position (GRCh38, 1-based): chr19:1,465,781, A>G. VCF-style: chr19-1465781-A-G. GRCh37 (hg19) VCF-style: chr19-1465780-A-G.
Other names: c.2477A>G, p.Lys826Arg (NM_001351273.1); short protein forms K826R, K827R.
Identifiers: ClinVar variation 2502030 (VCV002502030.2), dbSNP rs1476535893, ClinGen allele CA403026513.

ClinVar aggregate classification (germline): Uncertain significance. Review status: criteria provided, multiple submitters, no conflicts (2 of 4 stars). 2 submissions from 2 submitters: Uncertain significance (2). Last evaluated 2025-05-03.

Allele frequency attached by ClinVar (database versions not stated): gnomAD exomes 0.00001.
gnomAD v4.1: 6 of 1,574,020 alleles (0.00038%); highest among the groups gnomAD compares: East Asian, 0.012%; no homozygotes.

Submissions (2):

Labcorp Genetics (formerly Invitae), Labcorp
Classification: Uncertain significance. Last evaluated: 2025-05-03. Review status: criteria provided, single submitter. Criteria: Invitae Variant Classification Sherloc (09022015). Collection method: clinical testing. Allele origin: germline.
Comment: This sequence change replaces lysine, which is basic and polar, with arginine, which is basic and polar, at codon 827 of the APC2 protein (p.Lys827Arg). The frequency data for this variant in the population databases is considered unreliable, as metrics indicate poor data quality at this position in the gnomAD database. This variant has not been reported in the literature in individuals affected with APC2-related conditions. ClinVar contains an entry for this variant (Variation ID: 2502030). Invitae Evidence Modeling of protein sequence and biophysical properties (such as structural, functional, and spatial information, amino acid conservation, physicochemical variation, residue mobility, and thermodynamic stability) indicates that this missense variant is not expected to disrupt APC2 protein function with a negative predictive value of 80%. In summary, the available evidence is currently insufficient to determine the role of this variant in disease. Therefore, it has been classified as a Variant of Uncertain Significance.

GeneDx
Classification: Uncertain significance. Last evaluated: 2022-11-10. Review status: criteria provided, single submitter. Criteria: GeneDx Variant Classification Process June 2021. Collection method: clinical testing. Allele origin: germline. Affected: yes.
Comment: In silico analysis supports that this missense variant does not alter protein structure/function; Has not been previously published as pathogenic or benign to our knowledge